The following is an entry in ClinVar:

NM_015030.2(FRYL):c.6083A>G (p.Lys2028Arg)

Gene: FRYL (FRY like transcription coactivator; minus strand). Cytogenetic location: 4p11.
Variant type: single nucleotide variant.
Coding change: c.6083A>G on transcript NM_015030.2 (MANE Select); coding-DNA position 6083, A replaced by G.
Protein change: p.Lys2028Arg; replaces lysine 2028 with arginine.
Molecular consequence: missense variant.
Genome position (GRCh38, 1-based): chr4:48,540,565, T>C on the plus strand (A>G on the coding strand, the complement: FRYL is on the minus strand). VCF-style: chr4-48540565-T-C. GRCh37 (hg19) VCF-style: chr4-48542582-T-C.
Other names: short protein forms K2028R.
Identifiers: ClinVar variation 4880938 (VCV004880938.2).

ClinVar aggregate classification (germline): Uncertain significance (1 of 4 stars; one submission).

Conditions:
Pan-Chung-Bellen syndrome. Identifiers: MedGen C5975547, MONDO:0975953, OMIM 621049.

Submission:

Dasa
Classification: Uncertain significance for Pan-Chung-Bellen syndrome. Last evaluated: 2025-12-02. Review status: criteria provided, single submitter. Criteria: DASA Assertion Criteria. Collection method: clinical testing. Allele origin: germline.
Comment: NM_015030.2(FRYL):c.6083A>G (p.Lys2028Arg) is a missense variant that results in the substitution of lysine with arginine. This variant is rare in population databases. Computational prediction algorithms are consistent with a benign effect. The currently available literature and clinical evidence are not sufficient to establish a definitive association between this variant and the reported condition. Therefore, this variant is classified as a variant of uncertain significance.